The following is an entry in ClinVar:

NM_016006.6(ABHD5):c.345T>A (p.Ser115Arg)

Gene: ABHD5 (abhydrolase domain containing 5, lysophosphatidic acid acyltransferase; plus strand). Cytogenetic location: 3p21.33.
Variant type: single nucleotide variant.
Coding change: c.345T>A on transcript NM_016006.6 (MANE Select); coding-DNA position 345, T replaced by A.
Protein change: p.Ser115Arg; replaces serine 115 with arginine.
Molecular consequence: missense variant. On other transcripts: non-coding transcript variant (1).
Genome position (GRCh38, 1-based): chr3:43,702,426, T>A. VCF-style: chr3-43702426-T-A. GRCh37 (hg19) VCF-style: chr3-43743918-T-A.
Other names: c.345T>A, p.Ser115Arg (NM_001355186.2, NM_001365650.1); c.222T>A, p.Ser74Arg (NM_001365649.1); short protein forms S115R, S74R.
Identifiers: ClinVar variation 3340145 (VCV003340145.2).

ClinVar aggregate classification (germline): Likely pathogenic (1 of 4 stars; one submission).

Conditions:
Triglyceride storage disease with ichthyosis (CDS). Also called: TRIGLYCERIDE STORAGE DISEASE WITH IMPAIRED LONG-CHAIN FATTY ACID OXIDATION; Dorfman-Chanarin disease; ICHTHYOSIFORM ERYTHRODERMA WITH LEUKOCYTE VACUOLATION; Chanarin-Dorfman Syndrome. Identifiers: Orphanet 98907, MedGen C0268238, MONDO:0010155, OMIM 275630.

Submission:

Shanghai Public Health Clinical Center
Classification: Likely pathogenic for Triglyceride storage disease with ichthyosis. Last evaluated: 2024-09-10. Review status: criteria provided, single submitter. Criteria: ACMG Guidelines, 2015. Collection method: clinical testing. Allele origin: germline. Inheritance: Autosomal recessive inheritance. Observed: 1 homozygote.
Comment: It is absent from gnomAD database (PM2_Supporting);Multiple bioinformatics prediction software predict that this mutation will have harmful effects on genes or gene products(PP3);The clinical phenotype of the patient is highly consistent with the genetic causes of the disease(PP4);The variant S115G (same amino acid site, different variants) has been reported to be pathogenic（PM5）